The following is an entry in ClinVar:

ClinVar aggregate classification (germline): Uncertain significance. Review status: criteria provided, multiple submitters, no conflicts (2 of 4 stars). 4 submissions from 4 submitters: Uncertain significance (4). Last evaluated 2025-12-19.

Conditions:
Cardiovascular phenotype. Identifiers: MedGen CN230736.
Cardiomyopathy (CMYO). Also called: Cardiomyopathies. Identifiers: Orphanet 167848, MedGen C0878544, MONDO:0004994, HP:0001638. Inheritance: Various modes of inheritance.
Dilated cardiomyopathy 1O (CMD1O). Also called: CARDIOMYOPATHY, DILATED, WITH VENTRICULAR TACHYCARDIA. Identifiers: Orphanet 154, MedGen C1837839, MONDO:0012062, OMIM 608569.

Allele frequency attached by ClinVar (database versions not stated): ExAC 0.00002; TOPMed 0.00004; ESP Exome Variant Server 0.00008; gnomAD exomes 0.00002 and 0.00006; gnomAD 0.00003.
gnomAD v4.1: 97 of 1,613,708 alleles (0.006%); highest among the groups gnomAD compares: Non-Finnish European, 0.0076%; no homozygotes.

Submissions (4):

Ambry Genetics
Classification: Uncertain significance for Cardiovascular phenotype. Last evaluated: 2025-12-19. Review status: criteria provided, single submitter. Criteria: Ambry Variant Classification Scheme 2023. Collection method: clinical testing. Allele origin: germline.
Comment: The p.P978T variant (also known as c.2932C>A), located in coding exon 24 of the ABCC9 gene, results from a C to A substitution at nucleotide position 2932. The proline at codon 978 is replaced by threonine, an amino acid with highly similar properties. This amino acid position is highly conserved in available vertebrate species. In addition, this alteration is predicted to be deleterious by in silico analysis. Based on the available evidence, the clinical significance of this variant remains unclear.

Labcorp Genetics (formerly Invitae), Labcorp
Classification: Uncertain significance for Dilated cardiomyopathy 1O. Last evaluated: 2025-12-17. Review status: criteria provided, single submitter. Criteria: Invitae Variant Classification Sherloc (09022015). Collection method: clinical testing. Allele origin: germline.
Comment: This sequence change replaces proline, which is neutral and non-polar, with threonine, which is neutral and polar, at codon 978 of the ABCC9 protein (p.Pro978Thr). This variant is present in population databases (rs376874273, gnomAD 0.004%). This missense change has been observed in individual(s) with dilated cardiomyopathy (PMID: 32746448). ClinVar contains an entry for this variant (Variation ID: 179007). Invitae Evidence Modeling of protein sequence and biophysical properties (such as structural, functional, and spatial information, amino acid conservation, physicochemical variation, residue mobility, and thermodynamic stability) indicates that this missense variant is expected to disrupt ABCC9 protein function with a positive predictive value of 95%. In summary, the available evidence is currently insufficient to determine the role of this variant in disease. Therefore, it has been classified as a Variant of Uncertain Significance.

CHEO Genetics Diagnostic Laboratory, Children's Hospital of Eastern Ontario
Classification: Uncertain significance for Cardiomyopathy. Last evaluated: 2020-12-22. Review status: criteria provided, single submitter. Criteria: ACMG Guidelines, 2015. Collection method: clinical testing. Allele origin: germline.

Laboratory for Molecular Medicine, Mass General Brigham Personalized Medicine
Classification: Uncertain significance. Last evaluated: 2016-07-01. Review status: criteria provided, single submitter. Criteria: LMM Criteria. Collection method: clinical testing. Allele origin: germline. Observed: 2 variant alleles.
Comment: I t has been identified in 3/66612 European chromosomes by the Exome Aggregation C onsortium (ExAC; dbSNP rs376874273). Computation al prediction tools and conservation analysis do not provide strong support for or against an impact to the protein. In summary, the clinical significance of th e p.Pro978Thr variant is uncertain.

Literature cited by the submitters: PubMed 32746448 (cited by Ambry Genetics and Labcorp Genetics (formerly Invitae), Labcorp); PubMed 37477868 (cited by Ambry Genetics); PubMed 37725123 (cited by Ambry Genetics).

NM_020297.4(ABCC9):c.2932C>A (p.Pro978Thr)

Gene: ABCC9 (ATP binding cassette subfamily C member 9; minus strand). Cytogenetic location: 12p12.1.
Variant type: single nucleotide variant.
Coding change: c.2932C>A on transcript NM_020297.4 (MANE Select); coding-DNA position 2932, C replaced by A.
Protein change: p.Pro978Thr; replaces proline 978 with threonine.
Molecular consequence: missense variant.
Genome position (GRCh38, 1-based): chr12:21,845,767, G>T on the plus strand (C>A on the coding strand, the complement: ABCC9 is on the minus strand). VCF-style: chr12-21845767-G-T. GRCh37 (hg19) VCF-style: chr12-21998701-G-T.
Other names: c.2932C>A, p.Pro978Thr (NM_001377273.1, NM_005691.4); c.2065C>A, p.Pro689Thr (NM_001377274.1); short protein forms P978T, P689T.
Identifiers: ClinVar variation 179007 (VCV000179007.14), dbSNP rs376874273, ClinGen allele CA183484.